The following is an entry in ClinVar:

NM_198241.3(EIF4G1):c.3824T>A (p.Leu1275His)

Gene: EIF4G1 (eukaryotic translation initiation factor 4 gamma 1; plus strand). Cytogenetic location: 3q27.1.
Variant type: single nucleotide variant.
Coding change: c.3824T>A on transcript NM_198241.3 (MANE Select); coding-DNA position 3824, T replaced by A.
Protein change: p.Leu1275His; replaces leucine 1275 with histidine.
Molecular consequence: missense variant.
Genome position (GRCh38, 1-based): chr3:184,327,873, T>A. VCF-style: chr3-184327873-T-A. GRCh37 (hg19) VCF-style: chr3-184045661-T-A.
Other names: c.3845T>A, p.Leu1282His (NM_001194946.2, NM_001194947.2); c.3704T>A, p.Leu1235His (NM_001291157.2); c.3239T>A, p.Leu1080His (NM_004953.5); c.3827T>A, p.Leu1276His (NM_182917.4); c.3332T>A, p.Leu1111His (NM_198242.3); c.3563T>A, p.Leu1188His (NM_198244.3); c.3845T>A (NM_001194946.1); short protein forms L1275H, L1276H, L1080H, L1111H, L1188H, L1235H, L1282H.
Identifiers: ClinVar variation 1030449 (VCV001030449.5), dbSNP rs550525876, ClinGen allele CA2732935.
Genomic context (GRCh38, chr3:184,327,873, plus strand): 5'-TGCCCTGCACCCCTCAGGAGGCAGTCCAGTGCGTGCAGGAGCTGGCCTCACCCTCCTTGC[T>A]CTTCATCTTTGTACGGCATGGTGTCGAGTCTACGCTGGAGCGCAGTGCCATTGCTCGTGA-3'
Protein context (NP_937884.2, residues 1265-1285): CVQELASPSL[Leu1275His]FIFVRHGVES

ClinVar aggregate classification (germline): Uncertain significance. Review status: criteria provided, multiple submitters, no conflicts (2 of 4 stars). 3 submissions from 3 submitters: Uncertain significance (3). Last evaluated 2025-08-13.

Conditions:
Parkinson disease 18, autosomal dominant, susceptibility to. Identifiers: Orphanet 411602, MedGen C3280271, MONDO:0013653, OMIM 614251.

Allele frequency attached by ClinVar (database versions not stated): gnomAD 0.00006 and 0.00008; ExAC 0.00007; gnomAD exomes 0.00008; TOPMed 0.00014; 1000 Genomes Project 30x 0.00016; 1000 Genomes Project 0.00020.
gnomAD v4.1: 120 of 1,613,996 alleles (0.0074%); highest among the groups gnomAD compares: Middle Eastern, 0.31%; 2 homozygotes.

Submissions (3):

Ambry Genetics
Classification: Uncertain significance. Last evaluated: 2025-08-13. Review status: criteria provided, single submitter. Criteria: Ambry Variant Classification Scheme 2023. Collection method: clinical testing. Allele origin: germline.

Fulgent Genetics
Classification: Uncertain significance for Parkinson disease 18, autosomal dominant, susceptibility to. Last evaluated: 2022-02-09. Review status: criteria provided, single submitter. Criteria: ACMG Guidelines, 2015. Collection method: clinical testing. Allele origin: unknown.

Baylor Genetics
Classification: Uncertain significance for Parkinson disease 18, autosomal dominant, susceptibility to. Last evaluated: 2020-06-09. Review status: criteria provided, single submitter. Criteria: ACMG Guidelines, 2015. Collection method: clinical testing. Allele origin: unknown. Affected: yes.
Comment: This variant was determined to be of uncertain significance according to ACMG Guidelines, 2015 [PMID:25741868].